The following is an entry in ClinVar:

ClinVar aggregate classification (germline): Likely benign. Review status: criteria provided, multiple submitters, no conflicts (2 of 4 stars). 2 submissions from 2 submitters: Likely benign (2). Last evaluated 2026-05-02.

Conditions:
HADHA-related disorder. Also called: HADHA-related condition; HADHA-related disorders.
Mitochondrial trifunctional protein deficiency. Identifiers: Orphanet 746, MedGen C1969443, MONDO:0012172.
Long chain 3-hydroxyacyl-CoA dehydrogenase deficiency. Also called: Deficiency of long-chain 3-hydroxyacyl-coenzyme A dehydrogenase; LCHAD Deficiency. Identifiers: Orphanet 5, MedGen C3711645, MONDO:0012173, OMIM 609016.

Allele frequency attached by ClinVar (database versions not stated): gnomAD exomes below 0.00001 and 0.00001; TOPMed 0.00005; gnomAD 0.00007; ESP Exome Variant Server 0.00008.
gnomAD v4.1: 19 of 1,604,584 alleles (0.0012%); highest among the groups gnomAD compares: African/African-American, 0.02%; no homozygotes.

Submissions (2):

PreventionGenetics, part of Exact Sciences
Classification: Likely benign for HADHA-related condition. Last evaluated: 2026-05-02. Review status: criteria provided, single submitter. Criteria: ACMG Guidelines, 2015. Collection method: clinical testing. Allele origin: germline.
Comment: This variant is classified as likely benign based on ACMG/AMP sequence variant interpretation guidelines (Richards et al. 2015 PMID: 25741868, with internal and published modifications).

Labcorp Genetics (formerly Invitae), Labcorp
Classification: Likely benign for Mitochondrial trifunctional protein deficiency; Long chain 3-hydroxyacyl-CoA dehydrogenase deficiency. Last evaluated: 2023-12-14. Review status: criteria provided, single submitter. Criteria: Invitae Variant Classification Sherloc (09022015). Collection method: clinical testing. Allele origin: germline.

NM_000182.5(HADHA):c.513C>A (p.Thr171=)

Gene: HADHA (hydroxyacyl-CoA dehydrogenase trifunctional multienzyme complex subunit alpha; minus strand). Cytogenetic location: 2p23.3.
Variant type: single nucleotide variant.
Coding change: c.513C>A on transcript NM_000182.5 (MANE Select); coding-DNA position 513, C replaced by A.
Protein change: p.Thr171=; no amino-acid change (threonine 171 retained).
Molecular consequence: synonymous variant.
Genome position (GRCh38, 1-based): chr2:26,232,220, G>T on the plus strand (C>A on the coding strand, the complement: HADHA is on the minus strand). VCF-style: chr2-26232220-G-T. GRCh37 (hg19) VCF-style: chr2-26455088-G-T.
Other names: c.513C>A (NM_000182.4).
Identifiers: ClinVar variation 1145094 (VCV001145094.10), dbSNP rs139043179, ClinGen allele CA44352055.